The following is an entry in ClinVar:

ClinVar aggregate classification (germline): Uncertain significance. Review status: criteria provided, multiple submitters, no conflicts (2 of 4 stars). 2 submissions from 2 submitters: Uncertain significance (2). Last evaluated 2026-04-21.

Conditions:
POMC-related disorder. Also called: POMC-related condition; POMC-related disorders.
Inborn genetic diseases. Identifiers: MedGen C0950123, MeSH D030342.

Allele frequency attached by ClinVar (database versions not stated): TOPMed 0.00005; gnomAD 0.00007; gnomAD exomes 0.00008; ExAC 0.00004.

Submissions (2):

PreventionGenetics, part of Exact Sciences
Classification: Uncertain significance for POMC-related condition. Last evaluated: 2026-04-21. Review status: criteria provided, single submitter. Criteria: ACMG Guidelines, 2015. Collection method: clinical testing. Allele origin: germline.
Comment: The POMC c.602C>T variant is predicted to result in the amino acid substitution p.Ala201Val. This variant was observed in a cohort of individuals with obesity, and in vitro functional studies showed this variant did not reduce protein function and could cause increased function (Supplemental Data Set 3, Shah et al. 2023. PubMed ID: 36864747). This variant is reported in 0.0048% of alleles in individuals of European (Non-Finnish) descent in gnomAD. At this time, the clinical significance of this variant is uncertain due to the absence of conclusive functional and genetic evidence.

Ambry Genetics
Classification: Uncertain significance for Inborn genetic diseases. Last evaluated: 2025-09-25. Review status: criteria provided, single submitter. Criteria: Ambry Variant Classification Scheme 2023. Collection method: clinical testing. Allele origin: germline.

NM_000939.4(POMC):c.602C>T (p.Ala201Val)

Gene: POMC (proopiomelanocortin; minus strand). Cytogenetic location: 2p23.3.
Variant type: single nucleotide variant.
Coding change: c.602C>T on transcript NM_000939.4 (MANE Select); coding-DNA position 602, C replaced by T.
Protein change: p.Ala201Val; replaces alanine 201 with valine.
Molecular consequence: missense variant.
Genome position (GRCh38, 1-based): chr2:25,161,283, G>A on the plus strand (C>T on the coding strand, the complement: POMC is on the minus strand). VCF-style: chr2-25161283-G-A. GRCh37 (hg19) VCF-style: chr2-25384152-G-A.
Other names: c.602C>T, p.Ala201Val (NM_001035256.3, NM_001319204.2, NM_001319205.2); c.602C>T (NM_001035256.1); short protein forms A201V.
Identifiers: ClinVar variation 2634459 (VCV002634459.5), dbSNP rs781443872, ClinGen allele CA1555261.